The following is an entry in ClinVar:

NM_001267550.2(TTN):c.103477G>A (p.Val34493Ile)

Genes: TTN-AS1 (TTN antisense RNA 1; plus strand), TTN (titin; minus strand). Cytogenetic location: 2q31.2.
Variant type: single nucleotide variant.
Coding change: c.103477G>A on transcript NM_001267550.2 (MANE Select); coding-DNA position 103477, G replaced by A.
Protein change: p.Val34493Ile; replaces valine 34493 with isoleucine.
Molecular consequence: missense variant.
Genome position (GRCh38, 1-based): chr2:178,533,138, C>T on the plus strand (G>A on the coding strand, the complement: TTN is on the minus strand). VCF-style: chr2-178533138-C-T. GRCh37 (hg19) VCF-style: chr2-179397865-C-T.
Other names: c.98554G>A, p.Val32852Ile (NM_001256850.1); c.76282G>A, p.Val25428Ile (NM_003319.4); c.95773G>A, p.Val31925Ile (NM_133378.4); c.76657G>A, p.Val25553Ile (NM_133432.3); c.76858G>A, p.Val25620Ile (NM_133437.4); short protein forms V25620I, V32852I, V25428I, V31925I, V25553I, V34493I.
Identifiers: ClinVar variation 1485755 (VCV001485755.7), dbSNP rs1166346683, ClinGen allele CA349414190.

ClinVar aggregate classification (germline): Uncertain significance. Review status: criteria provided, multiple submitters, no conflicts (2 of 4 stars). 2 submissions from 2 submitters: Uncertain significance (2). Last evaluated 2024-01-10.

Conditions:
Dilated cardiomyopathy 1G (CMD1G). Identifiers: Orphanet 154, MedGen C1858763, MONDO:0011400, OMIM 604145.
Autosomal recessive limb-girdle muscular dystrophy type 2J (LGMDR10). Also called: Limb-girdle muscular dystrophy, type 2J; MUSCULAR DYSTROPHY, LIMB-GIRDLE, AUTOSOMAL RECESSIVE 10. Identifiers: Orphanet 140922, MedGen C1837342, MONDO:0012127, OMIM 608807.

gnomAD v4.1: 5 of 1,613,882 alleles (0.00031%); highest among the groups gnomAD compares: Admixed American, 0.005%; no homozygotes.

Submissions (2):

Labcorp Genetics (formerly Invitae), Labcorp
Classification: Uncertain significance for Dilated cardiomyopathy 1G; Autosomal recessive limb-girdle muscular dystrophy type 2J. Last evaluated: 2024-01-10. Review status: criteria provided, single submitter. Criteria: Invitae Variant Classification Sherloc (09022015). Collection method: clinical testing. Allele origin: germline.
Comment: This sequence change replaces valine, which is neutral and non-polar, with isoleucine, which is neutral and non-polar, at codon 34493 of the TTN protein (p.Val34493Ile). This variant is present in population databases (no rsID available, gnomAD 0.003%). This variant has not been reported in the literature in individuals affected with TTN-related conditions. ClinVar contains an entry for this variant (Variation ID: 1485755). Experimental studies and prediction algorithms are not available or were not evaluated, and the functional significance of this variant is currently unknown. This variant is located in the M band of TTN (PMID: 25589632). Non-truncating variants in this region may be relevant for neuromuscular disorders, but have not been definitively shown to cause cardiomyopathy (PMID: 23975875). In summary, the available evidence is currently insufficient to determine the role of this variant in disease. Therefore, it has been classified as a Variant of Uncertain Significance.

Women's Health and Genetics/Laboratory Corporation of America, LabCorp
Classification: Uncertain significance. Last evaluated: 2023-12-03. Review status: criteria provided, single submitter. Criteria: LabCorp Variant Classification Summary - May 2015. Collection method: clinical testing. Allele origin: germline.

Literature cited by the submitters: PubMed 25589632 (cited by Labcorp Genetics (formerly Invitae), Labcorp); PubMed 23975875 (cited by Labcorp Genetics (formerly Invitae), Labcorp).